The following is an entry in ClinVar:

ClinVar aggregate classification (germline): Uncertain significance. Review status: criteria provided, multiple submitters, no conflicts (2 of 4 stars). 2 submissions from 2 submitters: Uncertain significance (2). Last evaluated 2025-04-24.

Conditions:
Inborn genetic diseases. Identifiers: MedGen C0950123, MeSH D030342.

Allele frequency attached by ClinVar (database versions not stated): ExAC 0.00002; gnomAD 0.00002; gnomAD exomes 0.00002; TOPMed 0.00003; 1000 Genomes Project 30x 0.00016; 1000 Genomes Project 0.00020.

Submissions (2):

Ambry Genetics
Classification: Uncertain significance for Inborn genetic diseases. Last evaluated: 2025-04-24. Review status: criteria provided, single submitter. Criteria: Ambry Variant Classification Scheme 2023. Collection method: clinical testing. Allele origin: germline.

Labcorp Genetics (formerly Invitae), Labcorp
Classification: Uncertain significance. Last evaluated: 2025-04-16. Review status: criteria provided, single submitter. Criteria: Invitae Variant Classification Sherloc (09022015). Collection method: clinical testing. Allele origin: germline.
Comment: This sequence change replaces glycine, which is neutral and non-polar, with arginine, which is basic and polar, at codon 461 of the P3H2 protein (p.Gly461Arg). This variant is present in population databases (rs577492876, gnomAD 0.02%), including at least one homozygous and/or hemizygous individual. This variant has not been reported in the literature in individuals affected with P3H2-related conditions. ClinVar contains an entry for this variant (Variation ID: 1982195). Invitae Evidence Modeling of protein sequence and biophysical properties (such as structural, functional, and spatial information, amino acid conservation, physicochemical variation, residue mobility, and thermodynamic stability) indicates that this missense variant is expected to disrupt P3H2 protein function with a positive predictive value of 80%. In summary, the available evidence is currently insufficient to determine the role of this variant in disease. Therefore, it has been classified as a Variant of Uncertain Significance.

NM_018192.4(P3H2):c.1381G>A (p.Gly461Arg)

Gene: P3H2 (prolyl 3-hydroxylase 2; minus strand). Cytogenetic location: 3q28.
Variant type: single nucleotide variant.
Coding change: c.1381G>A on transcript NM_018192.4 (MANE Select); coding-DNA position 1381, G replaced by A.
Protein change: p.Gly461Arg; replaces glycine 461 with arginine.
Molecular consequence: missense variant.
Genome position (GRCh38, 1-based): chr3:189,974,629, C>T on the plus strand (G>A on the coding strand, the complement: P3H2 is on the minus strand). VCF-style: chr3-189974629-C-T. GRCh37 (hg19) VCF-style: chr3-189692418-C-T.
Other names: c.1381G>A (NM_018192.3); c.838G>A, p.Gly280Arg (NM_001134418.2); short protein forms G461R, G280R.
Identifiers: ClinVar variation 1982195 (VCV001982195.3), dbSNP rs577492876, ClinGen allele CA2752954.
Genomic context (GRCh38, chr3:189,974,629, plus strand): 5'-TGTGGAGCTCCCGGCACTGTTCTTCCGACAGGACGTTATCCAGGAGAACCCGCTGAGTCC[C>T]GTTCAGCTGCTCCGAGTTGTAGACGAATGTGATGTTCTCATAGAGTAGAGGACCACCTAC-3'
Protein context (NP_060662.2, residues 451-471): TFVYNSEQLN[Gly461Arg]TQRVLLDNVL